The following is an entry in ClinVar:

ClinVar aggregate classification (germline): Likely pathogenic (1 of 4 stars; one submission).

Submission:

Labcorp Genetics (formerly Invitae), Labcorp
Classification: Likely pathogenic. Last evaluated: 2022-03-19. Review status: criteria provided, single submitter. Criteria: Invitae Variant Classification Sherloc (09022015). Collection method: clinical testing. Allele origin: germline.
Comment: This variant has not been reported in the literature in individuals affected with COL4A3-related conditions. This variant is not present in population databases (gnomAD no frequency). This sequence change affects a donor splice site in intron 2 of the COL4A3 gene. It is expected to disrupt RNA splicing. Variants that disrupt the donor or acceptor splice site typically lead to a loss of protein function (PMID: 16199547), and loss-of-function variants in COL4A3 are known to be pathogenic (PMID: 8956999, 24854265, 26809805, 27281700). Algorithms developed to predict the effect of sequence changes on RNA splicing suggest that this variant may disrupt the consensus splice site. In summary, the currently available evidence indicates that the variant is pathogenic, but additional data are needed to prove that conclusively. Therefore, this variant has been classified as Likely Pathogenic.

Literature cited by the submitters: PubMed 16199547; PubMed 8956999; PubMed 24854265; PubMed 26809805; PubMed 27281700.

NM_000091.5(COL4A3):c.144+1G>C

Genes: COL4A3 (collagen type IV alpha 3 chain; plus strand), MFF-DT (MFF divergent transcript; minus strand). Cytogenetic location: 2q36.3.
Variant type: single nucleotide variant.
Coding change: c.144+1G>C on transcript NM_000091.5 (MANE Select); the canonical splice donor site of the intron after coding-DNA position 144, G replaced by C.
Molecular consequence: splice donor variant.
Genome position (GRCh38, 1-based): chr2:227,238,025, G>C. VCF-style: chr2-227238025-G-C. GRCh37 (hg19) VCF-style: chr2-228102741-G-C.
Identifiers: ClinVar variation 2114671 (VCV002114671.4), dbSNP rs2469448258, ClinGen allele CA350858436.